The following is an entry in ClinVar:

NM_138615.3(DHX30):c.2950G>C (p.Glu984Gln)

Gene: DHX30 (DExH-box helicase 30; plus strand). Cytogenetic location: 3p21.31.
Variant type: single nucleotide variant.
Coding change: c.2950G>C on transcript NM_138615.3 (MANE Select); coding-DNA position 2950, G replaced by C.
Protein change: p.Glu984Gln; replaces glutamic acid 984 with glutamine.
Molecular consequence: missense variant.
Genome position (GRCh38, 1-based): chr3:47,849,212, G>C. VCF-style: chr3-47849212-G-C. GRCh37 (hg19) VCF-style: chr3-47890702-G-C.
Other names: c.2866G>C, p.Glu956Gln (NM_001330990.2); c.2833G>C, p.Glu945Gln (NM_014966.4); short protein forms E945Q, E956Q, E984Q.
Identifiers: ClinVar variation 3372832 (VCV003372832.1).
Genomic context (GRCh38, chr3:47,849,212, plus strand): 5'-GCTAGGGGCTGTAGGTCCACCACACATTCTGTCTCCCTAGGACTCATCAAGCAGTTCTCA[G>C]AGAACATTTATGAGGCCTTCCTGGTGGGGAAGCCCTCGGACTGCACCCTGGCCTCCGCCC-3'
Protein context (NP_619520.1, residues 974-994): FIHGLIKQFS[Glu984Gln]NIYEAFLVGK

ClinVar aggregate classification (germline): Uncertain significance (1 of 4 stars; one submission).

gnomAD v4.1: 1 of 1,614,064 alleles (0.000062%); highest among the groups gnomAD compares: Non-Finnish European, 0.000085%; no homozygotes.

Submission:

GeneDx
Classification: Uncertain significance. Last evaluated: 2024-04-23. Review status: criteria provided, single submitter. Criteria: GeneDx Variant Classification Process June 2021. Collection method: clinical testing. Allele origin: germline. Affected: yes.
Comment: Not observed at significant frequency in large population cohorts (gnomAD); In silico analysis indicates that this missense variant does not alter protein structure/function; Has not been previously published as pathogenic or benign to our knowledge